The following is an entry in ClinVar:

ClinVar aggregate classification (germline): Likely pathogenic (1 of 4 stars; one submission).

Submission:

Dasa
Classification: Likely pathogenic. Last evaluated: 2026-04-01. Review status: criteria provided, single submitter. Criteria: DASA Assertion Criteria. Collection method: clinical testing. Allele origin: germline.
Comment: NM_019108.4(SMG9):c.92del (p.Leu31Profs*71) is a frameshift variant in SMG9 predicted to alter the reading frame and introduce a premature termination codon and is predicted to result in an absent or altered protein product. Loss of function is an established disease mechanism for SMG9-associated disorders. Also, this variant is rare in population databases. Based on the currently available evidence, this variant is classified as likely pathogenic.

NM_019108.4(SMG9):c.92del (p.Leu31fs)

Gene: SMG9 (SMG9 nonsense mediated mRNA decay factor; minus strand). Cytogenetic location: 19q13.31.
Variant type: Deletion.
Coding change: c.92del on transcript NM_019108.4 (MANE Select); coding-DNA position 92, one base deleted (T; older notation c.92delT).
Protein change: p.Leu31fs; shifts the reading frame from leucine 31.
Molecular consequence: frameshift variant.
Genome position (GRCh38, 1-based): chr19:43,750,650, A deleted on the plus strand (T on the coding strand, the reverse complement: SMG9 is on the minus strand). VCF-style (leftmost placement, unchanged base first): chr19-43750649-GA-G. GRCh37 (hg19) VCF-style: chr19-44254801-GA-G.
Other names: short protein forms L31fs.
Identifiers: ClinVar variation 4852647 (VCV004852647.2).